The following is an entry in ClinVar:

ClinVar aggregate classification (germline): Uncertain significance (1 of 4 stars; one submission).

gnomAD v4.1: 2 of 1,205,279 alleles (0.00017%); highest among the groups gnomAD compares: Non-Finnish European, 0.00022%; no homozygotes.

Submission:

GeneDx
Classification: Uncertain significance. Last evaluated: 2025-03-26. Review status: criteria provided, single submitter. Criteria: GeneDx Variant Classification Process June 2021. Collection method: clinical testing. Allele origin: germline. Affected: yes.
Comment: Not observed at significant frequency in large population cohorts (gnomAD); In silico analysis indicates that this missense variant does not alter protein structure/function; Has not been previously published as pathogenic or benign to our knowledge

NM_001291867.2(NHS):c.1248T>G (p.Asp416Glu)

Gene: NHS (NHS actin remodeling regulator; plus strand). Cytogenetic location: Xp22.13.
Variant type: single nucleotide variant.
Coding change: c.1248T>G on transcript NM_001291867.2 (MANE Select); coding-DNA position 1248, T replaced by G.
Protein change: p.Asp416Glu; replaces aspartic acid 416 with glutamic acid.
Molecular consequence: missense variant.
Genome position (GRCh38, 1-based): chrX:17,725,354, T>G. VCF-style: chrX-17725354-T-G. GRCh37 (hg19) VCF-style: chrX-17743474-T-G.
Other names: c.717T>G, p.Asp239Glu (NM_001136024.4); c.654T>G, p.Asp218Glu (NM_001291868.2); c.909T>G, p.Asp303Glu (NM_001440780.1); c.1185T>G, p.Asp395Glu (NM_198270.4); short protein forms D239E, D416E, D218E, D395E, D303E.
Identifiers: ClinVar variation 4088028 (VCV004088028.1).
Genomic context (GRCh38, chrX:17,725,354, plus strand): 5'-CTGTTGGTCTGCTGATATAGAAAATATCTCACTGTGCTTTCCATGTGCCCTAGATTCTGA[T>G]GAATCACCAGTGGCCAGGGAAAGGAATGTGATTGTGCACACAAACCCAGACCCCTCCAAC-3'
Protein context (NP_001278796.1, residues 406-426): PRRVQQEIDS[Asp416Glu]ESPVARERNV